The following is an entry in ClinVar:

NM_001447.3(FAT2):c.1148T>C (p.Met383Thr)

Gene: FAT2 (FAT atypical cadherin 2; minus strand). Cytogenetic location: 5q33.1.
Variant type: single nucleotide variant.
Coding change: c.1148T>C on transcript NM_001447.3 (MANE Select); coding-DNA position 1148, T replaced by C.
Protein change: p.Met383Thr; replaces methionine 383 with threonine.
Molecular consequence: missense variant.
Genome position (GRCh38, 1-based): chr5:151,567,784, A>G on the plus strand (T>C on the coding strand, the complement: FAT2 is on the minus strand). VCF-style: chr5-151567784-A-G. GRCh37 (hg19) VCF-style: chr5-150947345-A-G.
Other names: short protein forms M383T.
Identifiers: ClinVar variation 4255107 (VCV004255107.2).

ClinVar aggregate classification (germline): Uncertain significance. Review status: criteria provided, multiple submitters, no conflicts (2 of 4 stars). 2 submissions from 2 submitters: Uncertain significance (2). Last evaluated 2025-08-30.

gnomAD v4.1: 4 of 1,614,208 alleles (0.00025%); highest among the groups gnomAD compares: Non-Finnish European, 0.00034%; no homozygotes.

Submissions (2):

Ambry Genetics
Classification: Uncertain significance. Last evaluated: 2025-08-30. Review status: criteria provided, single submitter. Criteria: Ambry Variant Classification Scheme 2023. Collection method: clinical testing. Allele origin: germline.

Labcorp Genetics (formerly Invitae), Labcorp
Classification: Uncertain significance. Last evaluated: 2025-07-23. Review status: criteria provided, single submitter. Criteria: Invitae Variant Classification Sherloc (09022015). Collection method: clinical testing. Allele origin: germline.
Comment: This sequence change replaces methionine, which is neutral and non-polar, with threonine, which is neutral and polar, at codon 383 of the FAT2 protein (p.Met383Thr). This variant is present in population databases (rs758852827, gnomAD 0.0009%). This variant has not been reported in the literature in individuals affected with FAT2-related conditions. Invitae Evidence Modeling of protein sequence and biophysical properties (such as structural, functional, and spatial information, amino acid conservation, physicochemical variation, residue mobility, and thermodynamic stability) indicates that this missense variant is expected to disrupt FAT2 protein function with a positive predictive value of 80%. In summary, the available evidence is currently insufficient to determine the role of this variant in disease. Therefore, it has been classified as a Variant of Uncertain Significance.